The following is an entry in ClinVar:

ClinVar aggregate classification (germline): Uncertain significance (1 of 4 stars; one submission).

Conditions:
Inborn genetic diseases. Identifiers: MedGen C0950123, MeSH D030342.

Submission:

Ambry Genetics
Classification: Uncertain significance for Inborn genetic diseases. Last evaluated: 2022-08-29. Review status: criteria provided, single submitter. Criteria: Ambry Variant Classification Scheme 2023. Collection method: clinical testing. Allele origin: germline.
Comment: The c.13930C>A (p.L4644M) alteration is located in exon 95 (coding exon 95) of the RYR1 gene. This alteration results from a C to A substitution at nucleotide position 13930, causing the leucine (L) at amino acid position 4644 to be replaced by a methionine (M). This variant was not reported in population-based cohorts in the Genome Aggregation Database (gnomAD). This amino acid position is not well conserved in available vertebrate species. This alteration is predicted to be tolerated by in silico analysis. Based on insufficient or conflicting evidence, the clinical significance of this alteration remains unclear.

NM_000540.3(RYR1):c.13930C>A (p.Leu4644Met)

Gene: RYR1 (ryanodine receptor 1; plus strand). Cytogenetic location: 19q13.2.
Variant type: single nucleotide variant.
Coding change: c.13930C>A on transcript NM_000540.3 (MANE Select); coding-DNA position 13930, C replaced by A.
Protein change: p.Leu4644Met; replaces leucine 4644 with methionine.
Molecular consequence: missense variant.
Genome position (GRCh38, 1-based): chr19:38,572,202, C>A. VCF-style: chr19-38572202-C-A. GRCh37 (hg19) VCF-style: chr19-39062842-C-A.
Other names: c.13915C>A, p.Leu4639Met (NM_001042723.2); short protein forms L4644M, L4639M.
Identifiers: ClinVar variation 2307299 (VCV002307299.2), dbSNP rs1441957717, ClinGen allele CA405681175.